The following is an entry in ClinVar:

ClinVar aggregate classification (germline): Uncertain significance. Review status: criteria provided, multiple submitters, no conflicts (2 of 4 stars). 2 submissions from 2 submitters: Uncertain significance (2). Last evaluated 2022-11-10.

Conditions:
Ullrich congenital muscular dystrophy 2 (UCMD2). Identifiers: Orphanet 75840, MedGen C4225314, MONDO:0014654, OMIM 616470.
Bethlem myopathy 2 (BTHLM2). Identifiers: Orphanet 536516, Orphanet 610, MedGen C4225313, MONDO:0034022, OMIM 616471.

Submissions (2):

GeneDx
Classification: Uncertain significance. Last evaluated: 2022-11-10. Review status: criteria provided, single submitter. Criteria: GeneDx Variant Classification Process June 2021. Collection method: clinical testing. Allele origin: germline. Affected: yes.
Comment: Not observed at significant frequency in large population cohorts (gnomAD); In silico analysis supports that this missense variant has a deleterious effect on protein structure/function; Has not been previously published as pathogenic or benign to our knowledge

Labcorp Genetics (formerly Invitae), Labcorp
Classification: Uncertain significance for Bethlem myopathy 2; Ullrich congenital muscular dystrophy 2. Last evaluated: 2022-07-29. Review status: criteria provided, single submitter. Criteria: Invitae Variant Classification Sherloc (09022015). Collection method: clinical testing. Allele origin: germline.
Comment: This variant is not present in population databases (gnomAD no frequency). In summary, the available evidence is currently insufficient to determine the role of this variant in disease. Therefore, it has been classified as a Variant of Uncertain Significance. Algorithms developed to predict the effect of missense changes on protein structure and function are either unavailable or do not agree on the potential impact of this missense change (SIFT: "Deleterious"; PolyPhen-2: "Probably Damaging"; Align-GVGD: "Class C0"). This variant has not been reported in the literature in individuals affected with COL12A1-related conditions. This sequence change replaces tyrosine, which is neutral and polar, with cysteine, which is neutral and slightly polar, at codon 705 of the COL12A1 protein (p.Tyr705Cys).

NM_004370.6(COL12A1):c.2114A>G (p.Tyr705Cys)

Gene: COL12A1 (collagen type XII alpha 1 chain; minus strand). Cytogenetic location: 6q13.
Variant type: single nucleotide variant.
Coding change: c.2114A>G on transcript NM_004370.6 (MANE Select); coding-DNA position 2114, A replaced by G.
Protein change: p.Tyr705Cys; replaces tyrosine 705 with cysteine.
Molecular consequence: missense variant. On other transcripts: intron variant (1).
Genome position (GRCh38, 1-based): chr6:75,180,989, T>C on the plus strand (A>G on the coding strand, the complement: COL12A1 is on the minus strand). VCF-style: chr6-75180989-T-C. GRCh37 (hg19) VCF-style: chr6-75890705-T-C.
Other names: c.2114A>G (NM_004370.5); c.73+21731A>G (NM_080645.3); short protein forms Y705C.
Identifiers: ClinVar variation 2051787 (VCV002051787.5), dbSNP rs1769244467, ClinGen allele CA364766075.